The following is an entry in ClinVar:

NM_022124.6(CDH23):c.6718G>A (p.Val2240Ile)

Gene: CDH23 (cadherin related 23; plus strand). Cytogenetic location: 10q22.1.
Variant type: single nucleotide variant.
Coding change: c.6718G>A on transcript NM_022124.6 (MANE Select); coding-DNA position 6718, G replaced by A.
Protein change: p.Val2240Ile; replaces valine 2240 with isoleucine.
Molecular consequence: missense variant. On other transcripts: 5 prime UTR variant (2).
Genome position (GRCh38, 1-based): chr10:71,797,109, G>A. VCF-style: chr10-71797109-G-A. GRCh37 (hg19) VCF-style: chr10-73556866-G-A.
Other names: c.-3G>A (NM_001171933.1, NM_001171934.1); short protein forms V2240I.
Identifiers: ClinVar variation 179184 (VCV000179184.5), dbSNP rs727504694, ClinGen allele CA183899.

ClinVar aggregate classification (germline): Uncertain significance. Review status: criteria provided, single submitter (1 of 4 stars). 2 submissions from 2 submitters: Uncertain significance (1). 1 of the submissions does not count toward it. Last evaluated 2013-09-08.

Conditions:
Usher syndrome type 1 (USH1). Also called: RETINITIS PIGMENTOSA AND CONGENITAL DEAFNESS. Identifiers: Orphanet 231169, Orphanet 886, MedGen C1568247, MONDO:0010168, OMIM 276900.

Allele frequency attached by ClinVar (database versions not stated): ExAC 0.00001; gnomAD below 0.00001 and 0.00001; gnomAD exomes below 0.00001.
gnomAD v4.1: 10 of 1,609,626 alleles (0.00062%); highest among the groups gnomAD compares: South Asian, 0.011%; no homozygotes.

Submissions (2):

Laboratory for Molecular Medicine, Mass General Brigham Personalized Medicine
Classification: Uncertain significance. Last evaluated: 2013-09-08. Review status: criteria provided, single submitter. Criteria: LMM Criteria. Collection method: clinical testing. Allele origin: germline. Observed: 1 variant allele.
Comment: The Val2240Ile variant in CDH23 has not been reported in individuals with hearin g loss or in large population studies. Computational analyses (biochemical amino acid properties, conservation, AlignGVGD, PolyPhen2, and SIFT) do not provide s trong support for or against an impact to the protein. In summary, additional in formation is needed to fully assess the clinical significance of the Val2240Ile variant.

Natera, Inc.
Classification: Uncertain significance for Usher syndrome type 1. Last evaluated: 2020-01-24. Review status: no assertion criteria provided. Collection method: clinical testing. Allele origin: germline. Not counted in ClinVar's aggregate classification.